The following is an entry in ClinVar:

ClinVar aggregate classification (germline): Uncertain significance. Review status: criteria provided, multiple submitters, no conflicts (2 of 4 stars). 2 submissions from 2 submitters: Uncertain significance (2). Last evaluated 2025-10-28.

Conditions:
Gastrointestinal stromal tumor. Also called: Gastrointestinal stromal tumor, somatic; Gastrointestinal stroma tumor. Identifiers: Orphanet 44890, MedGen C0238198, MeSH D046152, MONDO:0011719, OMIM 606764, HP:0100723.
Hereditary cancer-predisposing syndrome. Also called: Neoplastic Syndromes, Hereditary; Tumor predisposition; Hereditary Cancer Syndrome; Hereditary neoplastic syndrome. Identifiers: Orphanet 140162, MedGen C0027672, MeSH D009386, MONDO:0015356.

Submissions (2):

Ambry Genetics
Classification: Uncertain significance for Hereditary cancer-predisposing syndrome. Last evaluated: 2025-10-28. Review status: criteria provided, single submitter. Criteria: Ambry Variant Classification Scheme 2023. Collection method: clinical testing. Allele origin: germline.
Comment: The p.R72G variant (also known as c.214A>G), located in coding exon 2 of the PDGFRA gene, results from an A to G substitution at nucleotide position 214. The arginine at codon 72 is replaced by glycine, an amino acid with dissimilar properties. This amino acid position is conserved. In addition, this alteration is predicted to be tolerated by in silico analysis. Since supporting evidence is limited at this time, the clinical significance of this alteration remains unclear.

Labcorp Genetics (formerly Invitae), Labcorp
Classification: Uncertain significance for Gastrointestinal stromal tumor. Last evaluated: 2022-04-12. Review status: criteria provided, single submitter. Criteria: Invitae Variant Classification Sherloc (09022015). Collection method: clinical testing. Allele origin: germline.
Comment: This sequence change replaces arginine, which is basic and polar, with glycine, which is neutral and non-polar, at codon 72 of the PDGFRA protein (p.Arg72Gly). This variant is not present in population databases (gnomAD no frequency). This variant has not been reported in the literature in individuals affected with PDGFRA-related conditions. Algorithms developed to predict the effect of missense changes on protein structure and function (SIFT, PolyPhen-2, Align-GVGD) all suggest that this variant is likely to be tolerated. In summary, the available evidence is currently insufficient to determine the role of this variant in disease. Therefore, it has been classified as a Variant of Uncertain Significance.

NM_006206.6(PDGFRA):c.214A>G (p.Arg72Gly)

Gene: PDGFRA (platelet derived growth factor receptor alpha; plus strand). Cytogenetic location: 4q12.
Variant type: single nucleotide variant.
Coding change: c.214A>G on transcript NM_006206.6 (MANE Select); coding-DNA position 214, A replaced by G.
Protein change: p.Arg72Gly; replaces arginine 72 with glycine.
Molecular consequence: missense variant.
Genome position (GRCh38, 1-based): chr4:54,261,259, A>G. VCF-style: chr4-54261259-A-G. GRCh37 (hg19) VCF-style: chr4-55127426-A-G.
Other names: c.214A>G, p.Arg72Gly (NM_001347827.2, NM_001347829.2); c.289A>G, p.Arg97Gly (NM_001347828.2); c.253A>G, p.Arg85Gly (NM_001347830.2); short protein forms R85G, R72G, R97G.
Identifiers: ClinVar variation 1786705 (VCV001786705.13), dbSNP rs1722691535, ClinGen allele CA356888506.
Genomic context (GRCh38, chr4:54,261,259, plus strand): 5'-GAGAGTGAAGTGAGCTGGCAGTACCCCATGTCTGAAGAAGAGAGCTCCGATGTGGAAATC[A>G]GAAATGAAGAAAACAACAGCGGCCTTTTTGTGACGGTCTTGGAAGTGAGCAGTGCCTCGG-3'
Protein context (NP_006197.1, residues 62-82): SEEESSDVEI[Arg72Gly]NEENNSGLFV